The following is an entry in ClinVar:

NM_015629.4(PRPF31):c.239-1G>A

Genes: PRPF31 (pre-mRNA processing factor 31; plus strand), PRPF31-AS1 (PRPF31 antisense RNA 1; minus strand). Cytogenetic location: 19q13.42.
Variant type: single nucleotide variant.
Coding change: c.239-1G>A on transcript NM_015629.4 (MANE Select); the canonical splice acceptor site of the intron before coding-DNA position 239, G replaced by A.
Molecular consequence: splice acceptor variant.
Genome position (GRCh38, 1-based): chr19:54,121,859, G>A. VCF-style: chr19-54121859-G-A. GRCh37 (hg19) VCF-style: chr19-54625238-G-A.
Identifiers: ClinVar variation 866371 (VCV000866371.9), dbSNP rs2073798309, ClinGen allele CA407749020.
Genomic context (GRCh38, chr19:54,121,859, plus strand): 5'-GCGGGACCCGAGAGGGGGTAGGGATTTAGATACTCACACCCATGCCTCCGTGTCCTCACA[G>A]TGATGGGACCAGTGGAGGCCGCGCCTGAATACCGCGTCATCGTGGATGCCAACAACCTGA-3'

ClinVar aggregate classification (germline): Pathogenic/Likely pathogenic. Review status: criteria provided, multiple submitters, no conflicts (2 of 4 stars). 3 submissions from 3 submitters: Pathogenic (2); Likely pathogenic (1). Last evaluated 2023-10-03.

Conditions:
PRPF31-related disorder. Also called: PRPF31-related condition.
Retinitis pigmentosa 11 (RP11). Identifiers: Orphanet 791, MedGen C1838601, MONDO:0010828, OMIM 600138.

Submissions (3):

Labcorp Genetics (formerly Invitae), Labcorp
Classification: Pathogenic. Last evaluated: 2023-10-03. Review status: criteria provided, single submitter. Criteria: Invitae Variant Classification Sherloc (09022015). Collection method: clinical testing. Allele origin: germline.
Comment: This sequence change affects an acceptor splice site in intron 3 of the PRPF31 gene. It is expected to disrupt RNA splicing. Variants that disrupt the donor or acceptor splice site typically lead to a loss of protein function (PMID: 16199547), and loss-of-function variants in PRPF31 are known to be pathogenic (PMID: 18317597, 23950152). This variant is not present in population databases (gnomAD no frequency). Disruption of this splice site has been observed in individuals with inherited retinal dystrophy (PMID: 33090715; Invitae). ClinVar contains an entry for this variant (Variation ID: 866371). Algorithms developed to predict the effect of sequence changes on RNA splicing suggest that this variant may disrupt the consensus splice site. For these reasons, this variant has been classified as Pathogenic.

Blueprint Genetics
Classification: Pathogenic for PRPF31-related disorders. Last evaluated: 2022-02-25. Review status: criteria provided, single submitter. Criteria: ACMG Guidelines, 2015. Collection method: clinical testing. Allele origin: germline. Affected: yes. Observed: 4 variant alleles.

Ocular Genomics Institute, Massachusetts Eye and Ear
Classification: Likely pathogenic for Retinitis pigmentosa 11. Last evaluated: 2021-04-08. Review status: criteria provided, single submitter. Criteria: ACMG Guidelines, 2015. Collection method: research. Allele origin: germline. Affected: yes.
Comment: Through a review of available evidence we were able to apply the following criteria: PVS1, PM2. Based on this evidence we have classified this variant as Likely Pathogenic.

Literature cited by the submitters: PubMed 16199547 (cited by Labcorp Genetics (formerly Invitae), Labcorp); PubMed 18317597 (cited by Labcorp Genetics (formerly Invitae), Labcorp); PubMed 23950152 (cited by Labcorp Genetics (formerly Invitae), Labcorp); PubMed 33090715 (cited by Labcorp Genetics (formerly Invitae), Labcorp).